The following is an entry in ClinVar:

NM_020795.4(NLGN2):c.279_290dup (p.Arg97_Asn98insProGlyValArg)

Gene: NLGN2 (neuroligin 2; plus strand). Cytogenetic location: 17p13.1.
Variant type: Duplication.
Coding change: c.279_290dup on transcript NM_020795.4 (MANE Select); coding-DNA positions 279 to 290, 12 bases duplicated (GCCCGGCGTGCG).
Protein change: p.Arg97_Asn98insProGlyValArg.
Genome position (GRCh38, 1-based): chr17:7,408,534-7,408,545, GCCCGGCGTGCG duplicated; duplicating any 12 consecutive bases within chr17:7,408,533-7,408,545 gives the same sequence; the c. name uses the placement nearest the transcript's 3' end. VCF-style (leftmost placement, unchanged base first): chr17-7408532-T-TGGCCCGGCGTGC. GRCh37 (hg19) VCF-style: chr17-7311851-T-TGGCCCGGCGTGC.
Identifiers: ClinVar variation 3769827 (VCV003769827.1).

ClinVar aggregate classification (germline): Uncertain significance (1 of 4 stars; one submission).

Submission:

GeneDx
Classification: Uncertain significance. Last evaluated: 2024-09-12. Review status: criteria provided, single submitter. Criteria: GeneDx Variant Classification Process June 2021. Collection method: clinical testing. Allele origin: germline. Affected: yes.
Comment: Not observed at significant frequency in large population cohorts (gnomAD); In-frame duplication of 4 amino acid(s) in a non-repeat region; Has not been previously published as pathogenic or benign to our knowledge